The following is an entry in ClinVar:

ClinVar aggregate classification (germline): Pathogenic/Likely pathogenic. Review status: criteria provided, multiple submitters, no conflicts (2 of 4 stars). 4 submissions from 4 submitters: Pathogenic (1); Likely pathogenic (3). Last evaluated 2025-03-07.

Conditions:
Stickler syndrome, type I, nonsyndromic ocular. Also called: STICKLER SYNDROME, ATYPICAL; STICKLER SYNDROME, TYPE I, PREDOMINANTLY OCULAR. Identifiers: MedGen C1836080, MONDO:0012287, OMIM 609508.
COL2A1-related disorder. Also called: COL2A1-related condition; COL2A1-related disorders.

Submissions (4):

Variantyx, Inc.
Classification: Likely pathogenic for Stickler syndrome, type I, nonsyndromic ocular. Last evaluated: 2025-03-07. Review status: criteria provided, single submitter. Criteria: Variantyx Assertion Criteria 2022. Collection method: clinical testing. Allele origin: germline. Inheritance: Autosomal dominant inheritance. Affected: yes.
Comment: This is a nonsynonymous variant in the COL2A1 gene (OMIM: 120140). Pathogenic variants in this gene have been associated with autosomal dominant Stickler syndrome type 1 with predominantly ocular findings. This variant has been reported in at least one affected individual (PMID: 35064646) (PS4_Moderate) and it has been observed to segregate with disease in at least 2 individuals from one family (PMID: 35064646) (PP1). Multiple computational algorithms predict a deleterious effect for this variant (REVEL score: 0.981) (PP3). This variant is absent from control populations (PM2). Intrafamilial clinical variability has been described (PMID: 35064646). Based on the current evidence, this variant is classified as likely pathogenic for autosomal dominant Stickler syndrome type 1 with predominantly ocular findings.

Blueprint Genetics
Classification: Likely pathogenic for COL2A1-related disorders. Last evaluated: 2024-10-22. Review status: criteria provided, single submitter. Criteria: ACMG Guidelines, 2015. Collection method: clinical testing. Allele origin: germline. Affected: yes. Observed: 2 variant alleles.

Labcorp Genetics (formerly Invitae), Labcorp
Classification: Pathogenic. Last evaluated: 2024-04-15. Review status: criteria provided, single submitter. Criteria: Invitae Variant Classification Sherloc (09022015). Collection method: clinical testing. Allele origin: germline.
Comment: This sequence change replaces cysteine, which is neutral and slightly polar, with arginine, which is basic and polar, at codon 34 of the COL2A1 protein (p.Cys34Arg). This variant is not present in population databases (gnomAD no frequency). This missense change has been observed in individuals with clinical features of autosomal dominant Stickler syndrome (PMID: 35064646; Invitae). It has also been observed to segregate with disease in related individuals. ClinVar contains an entry for this variant (Variation ID: 2428885). Advanced modeling of protein sequence and biophysical properties (such as structural, functional, and spatial information, amino acid conservation, physicochemical variation, residue mobility, and thermodynamic stability) performed at Invitae indicates that this missense variant is expected to disrupt COL2A1 protein function with a positive predictive value of 95%. For these reasons, this variant has been classified as Pathogenic.

GeneDx
Classification: Likely pathogenic. Last evaluated: 2022-10-07. Review status: criteria provided, single submitter. Criteria: GeneDx Variant Classification Process June 2021. Collection method: clinical testing. Allele origin: germline. Affected: yes.
Comment: Not observed at significant frequency in large population cohorts (gnomAD); Not located in the triple helical region, where the majority of pathogenic missense variants occur (HGMD); In silico analysis supports that this missense variant has a deleterious effect on protein structure/function; This variant is associated with the following publications: (PMID: 35064646)

Literature cited by the submitters: PubMed 35064646 (cited by Variantyx, Inc. and Labcorp Genetics (formerly Invitae), Labcorp).

NM_001844.5(COL2A1):c.100T>C (p.Cys34Arg)

Gene: COL2A1 (collagen type II alpha 1 chain; minus strand). Cytogenetic location: 12q13.11.
Variant type: single nucleotide variant.
Coding change: c.100T>C on transcript NM_001844.5 (MANE Select); coding-DNA position 100, T replaced by C.
Protein change: p.Cys34Arg; replaces cysteine 34 with arginine.
Molecular consequence: missense variant. On other transcripts: intron variant (1).
Genome position (GRCh38, 1-based): chr12:48,000,111, A>G on the plus strand (T>C on the coding strand, the complement: COL2A1 is on the minus strand). VCF-style: chr12-48000111-A-G. GRCh37 (hg19) VCF-style: chr12-48393894-A-G.
Other names: c.86-1680T>C (NM_033150.3); short protein forms C34R.
Identifiers: ClinVar variation 2428885 (VCV002428885.7), dbSNP rs2540187904, ClinGen allele CA384526788.